The following is an entry in ClinVar:

ClinVar aggregate classification (germline): Likely benign. Review status: criteria provided, single submitter (1 of 4 stars). 2 submissions from 2 submitters: Likely benign (1). 1 of the submissions does not count toward it. Last evaluated 2022-10-16.

Allele frequency attached by ClinVar (database versions not stated): ExAC 0.00002; gnomAD exomes 0.00002.
gnomAD v4.1: 11 of 1,614,210 alleles (0.00068%); highest among the groups gnomAD compares: East Asian, 0.025%; no homozygotes.

Submissions (2):

Labcorp Genetics (formerly Invitae), Labcorp
Classification: Likely benign. Last evaluated: 2022-10-16. Review status: criteria provided, single submitter. Criteria: Invitae Variant Classification Sherloc (09022015). Collection method: clinical testing. Allele origin: germline.

ITMI
No classification provided. Condition: AllHighlyPenetrant. Last evaluated: 2013-09-19. Review status: no classification provided. Collection method: reference population. Allele origin: germline. Not counted in ClinVar's aggregate classification.
Comment: Please see associated publication for description of ethnicities

Literature cited by the submitters: PubMed 24728327 (cited by ITMI).

NM_170606.3(KMT2C):c.10444G>A (p.Val3482Ile)

Gene: KMT2C (lysine methyltransferase 2C; minus strand). Cytogenetic location: 7q36.1.
Variant type: single nucleotide variant.
Coding change: c.10444G>A on transcript NM_170606.3 (MANE Select); coding-DNA position 10444, G replaced by A.
Protein change: p.Val3482Ile; replaces valine 3482 with isoleucine.
Molecular consequence: missense variant.
Genome position (GRCh38, 1-based): chr7:152,163,133, C>T on the plus strand (G>A on the coding strand, the complement: KMT2C is on the minus strand). VCF-style: chr7-152163133-C-T. GRCh37 (hg19) VCF-style: chr7-151860218-C-T.
Other names: short protein forms V3482I.
Identifiers: ClinVar variation 134797 (VCV000134797.5), dbSNP rs587778505, ClinGen allele CA160763.